The following is an entry in ClinVar:

ClinVar aggregate classification (germline): Likely pathogenic (1 of 4 stars; one submission).

Conditions:
Vitamin D-dependent rickets, type 1A. Also called: VITAMIN D HYDROXYLATION-DEFICIENT RICKETS, TYPE 1A; PDDR IA; PSEUDOVITAMIN D-DEFICIENCY RICKETS, TYPE IA. Identifiers: MedGen CN283242, MONDO:0020723, OMIM 264700.

Submission:

Neuberg Centre For Genomic Medicine, NCGM
Classification: Likely pathogenic for Vitamin D-dependent rickets, type 1A. Last evaluated: 2023-06-22. Review status: criteria provided, single submitter. Criteria: ACMG Guidelines, 2015. Collection method: clinical testing. Allele origin: germline. Inheritance: Autosomal recessive inheritance. Affected: yes.
Comment: The frameshift c.1038_1039del(p.Glu346AspfsTer53) variant in CYP27B1 gene has not been reported previously as a pathogenic variant nor as a benign variant, to our knowledge. The p.Glu346AspfsTer53 variant is absent in gnomAD Exomes. This variant has not been submitted to the ClinVar database. This variant causes a frameshift starting with codon Glutamic Acid 346, changes this amino acid to Aspartic Acid residue, and creates a premature Stop codon at position 53 of the new reading frame, denoted p.Glu346AspfsTer53. This variant is predicted to cause loss of normal protein function through protein truncation. Loss of function variants have been previously reported to be disease causing. For these reasons, this variant has been classified as Likely Pathogenic.

NM_000785.4(CYP27B1):c.1038_1039del (p.Glu346fs)

Gene: CYP27B1 (cytochrome P450 family 27 subfamily B member 1; minus strand). Cytogenetic location: 12q14.1.
Variant type: Microsatellite.
Coding change: c.1038_1039del on transcript NM_000785.4 (MANE Select); coding-DNA positions 1038 to 1039, 2 bases deleted (GA; older notation c.1038_1039delGA).
Protein change: p.Glu346fs; shifts the reading frame from glutamic acid 346.
Molecular consequence: frameshift variant.
Genome position (GRCh38, 1-based): chr12:57,764,475-57,764,476, TC deleted on the plus strand (GA on the coding strand, the reverse complement: CYP27B1 is on the minus strand); deleting any 2 consecutive bases within chr12:57,764,475-57,764,479 gives the same sequence; the c. name uses the placement nearest the transcript's 3' end. VCF-style (leftmost placement, unchanged base first): chr12-57764474-ATC-A. GRCh37 (hg19) VCF-style: chr12-58158257-ATC-A.
Other names: short protein forms E346fs.
Identifiers: ClinVar variation 3731400 (VCV003731400.1).